The following is an entry in ClinVar:

ClinVar aggregate classification (germline): Uncertain significance (1 of 4 stars; one submission).

Conditions:
Carney complex, type 1 (CNC1). Also called: CARNEY COMPLEX, TYPE I; CARNEY MYXOMA-ENDOCRINE COMPLEX. Identifiers: Orphanet 1359, MedGen C2607929, MONDO:0008057, OMIM 160980.

Submission:

Labcorp Genetics (formerly Invitae), Labcorp
Classification: Uncertain significance for Carney complex, type 1. Last evaluated: 2022-05-10. Review status: criteria provided, single submitter. Criteria: Invitae Variant Classification Sherloc (09022015). Collection method: clinical testing. Allele origin: germline.
Comment: In summary, the available evidence is currently insufficient to determine the role of this variant in disease. Therefore, it has been classified as a Variant of Uncertain Significance. Algorithms developed to predict the effect of missense changes on protein structure and function (SIFT, PolyPhen-2, Align-GVGD) all suggest that this variant is likely to be disruptive. This variant has not been reported in the literature in individuals affected with PRKAR1A-related conditions. This variant is not present in population databases (gnomAD no frequency). This sequence change replaces phenylalanine, which is neutral and non-polar, with cysteine, which is neutral and slightly polar, at codon 276 of the PRKAR1A protein (p.Phe276Cys).

NM_002734.5(PRKAR1A):c.827T>G (p.Phe276Cys)

Gene: PRKAR1A (protein kinase cAMP-dependent type I regulatory subunit alpha; plus strand). Cytogenetic location: 17q24.2.
Variant type: single nucleotide variant.
Coding change: c.827T>G on transcript NM_002734.5 (MANE Select); coding-DNA position 827, T replaced by G.
Protein change: p.Phe276Cys; replaces phenylalanine 276 with cysteine.
Molecular consequence: missense variant.
Genome position (GRCh38, 1-based): chr17:68,528,927, T>G. VCF-style: chr17-68528927-T-G. GRCh37 (hg19) VCF-style: chr17-66525068-T-G.
Other names: c.827T>G, p.Phe276Cys (NM_001369390.1, NM_212471.3, NM_212472.2 and 4 more transcripts); short protein forms F276C.
Identifiers: ClinVar variation 1992732 (VCV001992732.4), dbSNP rs2085878339, ClinGen allele CA400753906.